The following is an entry in ClinVar:

ClinVar aggregate classification (germline): Conflicting classifications of pathogenicity. Review status: criteria provided, conflicting classifications (1 of 4 stars). 6 submissions from 6 submitters: Uncertain significance (1); Likely benign (2). 3 of the submissions do not count toward it. Last evaluated 2025-07-01.

Conditions:
EFEMP1-related disorder. Also called: EFEMP1-related condition.

Allele frequency attached by ClinVar (database versions not stated): gnomAD 0.00005 and 0.00006; TOPMed 0.00006; gnomAD exomes 0.00007 and 0.00008; ExAC 0.00008.
gnomAD v4.1: 122 of 1,558,906 alleles (0.0078%); highest among the groups gnomAD compares: Non-Finnish European, 0.011%; no homozygotes.

Submissions (6):

CeGaT Center for Human Genetics Tuebingen
Classification: Uncertain significance. Last evaluated: 2025-07-01. Review status: criteria provided, single submitter. Criteria: CeGaT Center For Human Genetics Tuebingen Variant Classification Criteria Version 2. Collection method: clinical testing. Allele origin: germline. Affected: yes. Observed: 1 variant allele.
Comment: EFEMP1: PM2, BP4

Labcorp Genetics (formerly Invitae), Labcorp
Classification: Likely benign. Last evaluated: 2025-02-03. Review status: criteria provided, single submitter. Criteria: Invitae Variant Classification Sherloc (09022015). Collection method: clinical testing. Allele origin: germline.

Blueprint Genetics
Classification: Likely benign. Last evaluated: 2024-10-31. Review status: criteria provided, single submitter. Criteria: ACMG Guidelines, 2015. Collection method: clinical testing. Allele origin: germline.

PreventionGenetics, part of Exact Sciences
Classification: Likely benign for EFEMP1-related condition. Last evaluated: 2019-07-24. Review status: no assertion criteria provided. Collection method: clinical testing. Allele origin: germline. Not counted in ClinVar's aggregate classification.
Comment: This variant is classified as likely benign based on ACMG/AMP sequence variant interpretation guidelines (Richards et al. 2015 PMID: 25741868, with internal and published modifications).

Clinical Genetics DNA and cytogenetics Diagnostics Lab, Erasmus MC, Erasmus Medical Center
Classification: Likely benign. Review status: no assertion criteria provided. Collection method: clinical testing. Allele origin: germline. Affected: yes. Study: VKGL Data-share Consensus. Not counted in ClinVar's aggregate classification.

Clinical Genetics, Academic Medical Center
Classification: Likely benign. Review status: no assertion criteria provided. Collection method: clinical testing. Allele origin: germline. Affected: yes. Study: VKGL Data-share Consensus. Not counted in ClinVar's aggregate classification.

NM_001039348.3(EFEMP1):c.761-8T>C

Gene: EFEMP1 (EGF-like fibulin extracellular matrix protein 1; minus strand). Cytogenetic location: 2p16.1.
Variant type: single nucleotide variant.
Coding change: c.761-8T>C on transcript NM_001039348.3 (MANE Select); 8 bases into the intron before coding-DNA position 761, T replaced by C.
Molecular consequence: intron variant.
Genome position (GRCh38, 1-based): chr2:55,876,750, A>G on the plus strand (T>C on the coding strand, the complement: EFEMP1 is on the minus strand). VCF-style: chr2-55876750-A-G. GRCh37 (hg19) VCF-style: chr2-56103885-A-G.
Other names: c.761-8T>C (NM_001039349.3, NM_001039348.2).
Identifiers: ClinVar variation 1089240 (VCV001089240.23), dbSNP rs752091023, ClinGen allele CA1668817.
Genomic context (GRCh38, chr2:55,876,750, plus strand): 5'-AATGTTGTAGCACTGCTGAGCACATTGATTGCTGGCATCACATTCATTTATATCTGAAAA[A>G]AAGTTTTATATATATATATATGTATATGTATATATATACACACACATATATATATAGACT-3'